The following is an entry in ClinVar:

NM_015922.3(NSDHL):c.905A>G (p.Tyr302Cys)

Gene: NSDHL (NAD(P) dependent 3-beta-hydroxysteroid dehydrogenase NSDHL; plus strand). Cytogenetic location: Xq28.
Variant type: single nucleotide variant.
Coding change: c.905A>G on transcript NM_015922.3 (MANE Select); coding-DNA position 905, A replaced by G.
Protein change: p.Tyr302Cys; replaces tyrosine 302 with cysteine.
Molecular consequence: missense variant.
Genome position (GRCh38, 1-based): chrX:152,868,899, A>G. VCF-style: chrX-152868899-A-G. GRCh37 (hg19) VCF-style: chrX-152037443-A-G.
Other names: c.905A>G, p.Tyr302Cys (NM_001129765.2); short protein forms Y302C.
Identifiers: ClinVar variation 1471730 (VCV001471730.6), dbSNP rs1279237151, ClinGen allele CA415287284.

ClinVar aggregate classification (germline): Uncertain significance (1 of 4 stars; one submission).

Allele frequency attached by ClinVar (database versions not stated): gnomAD 0.00001.
gnomAD v4.1: 1 of 1,211,816 alleles (0.000083%); highest among the groups gnomAD compares: South Asian, 0.0018%; no homozygotes.

Submission:

Labcorp Genetics (formerly Invitae), Labcorp
Classification: Uncertain significance. Last evaluated: 2022-02-10. Review status: criteria provided, single submitter. Criteria: Invitae Variant Classification Sherloc (09022015). Collection method: clinical testing. Allele origin: germline.
Comment: This sequence change replaces tyrosine, which is neutral and polar, with cysteine, which is neutral and slightly polar, at codon 302 of the NSDHL protein (p.Tyr302Cys). This variant is not present in population databases (gnomAD no frequency). This variant has not been reported in the literature in individuals affected with NSDHL-related conditions. Algorithms developed to predict the effect of missense changes on protein structure and function (SIFT, PolyPhen-2, Align-GVGD) all suggest that this variant is likely to be tolerated. In summary, the available evidence is currently insufficient to determine the role of this variant in disease. Therefore, it has been classified as a Variant of Uncertain Significance.